The following is an entry in ClinVar:

ClinVar aggregate classification (germline): Uncertain significance. Review status: criteria provided, multiple submitters, no conflicts (2 of 4 stars). 2 submissions from 2 submitters: Uncertain significance (2). Last evaluated 2025-05-24.

Conditions:
Pseudohypoaldosteronism type 2D (PHA2D). Also called: FAMILIAL HYPERKALEMIC HYPERTENSION; PSEUDOHYPOALDOSTERONISM, TYPE IID, AUTOSOMAL DOMINANT OR RECESSIVE; Pseudohypoaldosteronism Type IID. Identifiers: Orphanet 300525, Orphanet 757, MedGen C3469605, MONDO:0013781, OMIM 614495.

Submissions (2):

Labcorp Genetics (formerly Invitae), Labcorp
Classification: Uncertain significance. Last evaluated: 2025-05-24. Review status: criteria provided, single submitter. Criteria: Invitae Variant Classification Sherloc (09022015). Collection method: clinical testing. Allele origin: germline.
Comment: This sequence change replaces glutamine, which is neutral and polar, with arginine, which is basic and polar, at codon 23 of the KLHL3 protein (p.Gln23Arg). This variant is present in population databases (rs760941531, gnomAD 0.1%). This variant has not been reported in the literature in individuals affected with KLHL3-related conditions. ClinVar contains an entry for this variant (Variation ID: 3591753). An algorithm developed to predict the effect of missense changes on protein structure and function outputs the following: PolyPhen-2: "Benign". The arginine amino acid residue is found in multiple mammalian species, which suggests that this missense change does not adversely affect protein function. In summary, the available evidence is currently insufficient to determine the role of this variant in disease. Therefore, it has been classified as a Variant of Uncertain Significance.

Fulgent Genetics
Classification: Uncertain significance for Pseudohypoaldosteronism type 2D. Last evaluated: 2024-05-31. Review status: criteria provided, single submitter. Criteria: ACMG Guidelines, 2015. Collection method: clinical testing. Allele origin: germline.

NM_017415.3(KLHL3):c.68A>G (p.Gln23Arg)

Gene: KLHL3 (kelch like family member 3; minus strand). Cytogenetic location: 5q31.2.
Variant type: single nucleotide variant.
Coding change: c.68A>G on transcript NM_017415.3 (MANE Select); coding-DNA position 68, A replaced by G.
Protein change: p.Gln23Arg; replaces glutamine 23 with arginine.
Molecular consequence: missense variant. On other transcripts: 5 prime UTR variant (1).
Genome position (GRCh38, 1-based): chr5:137,720,531, T>C on the plus strand (A>G on the coding strand, the complement: KLHL3 is on the minus strand). VCF-style: chr5-137720531-T-C. GRCh37 (hg19) VCF-style: chr5-137056220-T-C.
Other names: c.-29A>G (NM_001257194.1); short protein forms Q23R.
Identifiers: ClinVar variation 3591753 (VCV003591753.3).